The following is an entry in ClinVar:

NM_014927.5(CNKSR2):c.548_551del (p.Lys183fs)

Gene: CNKSR2 (connector enhancer of kinase suppressor of Ras 2; plus strand). Cytogenetic location: Xp22.12.
Variant type: Deletion.
Coding change: c.548_551del on transcript NM_014927.5 (MANE Select); coding-DNA positions 548 to 551, 4 bases deleted (AAAT; older notation c.548_551delAAAT).
Protein change: p.Lys183fs; shifts the reading frame from lysine 183.
Molecular consequence: frameshift variant.
Genome position (GRCh38, 1-based): chrX:21,470,794-21,470,797, AAAT deleted. VCF-style (leftmost placement, unchanged base first): chrX-21470793-AAAAT-A. GRCh37 (hg19) VCF-style: chrX-21488911-AAAAT-A.
Other names: c.548_551del, p.Lys183fs (NM_001168647.3, NM_001168648.3, NM_001168649.3 and 4 more transcripts); short protein forms K183fs.
Identifiers: ClinVar variation 1697306 (VCV001697306.2), dbSNP rs2147143428, ClinGen allele CA2580100447.

ClinVar aggregate classification (germline): Pathogenic (1 of 4 stars; one submission).

Conditions:
Intellectual developmental disorder, X-linked, syndromic, Houge type. Also called: MENTAL RETARDATION, X-LINKED, SYNDROMIC, HOUGE TYPE; Intellectual disability, X-linked, syndromic, Houge type. Identifiers: MedGen C4538788, MONDO:0030909, OMIM 301008.

Submission:

Institute of Human Genetics, University of Leipzig Medical Center
Classification: Pathogenic for Intellectual developmental disorder, X-linked, syndromic, Houge type. Last evaluated: 2023-02-27. Review status: criteria provided, single submitter. Criteria: ACMG Guidelines, 2015. Collection method: clinical testing. Allele origin: de novo. Affected: yes.
Comment: This variant was identified as de novo (maternity and paternity confirmed)._x000D_ Criteria applied: PVS1, PS2_SUP, PM2_SUP